The following is an entry in ClinVar:

NM_002500.5(NEUROD1):c.905A>G (p.His302Arg)

Gene: NEUROD1 (neuronal differentiation 1; minus strand). Cytogenetic location: 2q31.3.
Variant type: single nucleotide variant.
Coding change: c.905A>G on transcript NM_002500.5 (MANE Select); coding-DNA position 905, A replaced by G.
Protein change: p.His302Arg; replaces histidine 302 with arginine.
Molecular consequence: missense variant.
Genome position (GRCh38, 1-based): chr2:181,677,956, T>C on the plus strand (A>G on the coding strand, the complement: NEUROD1 is on the minus strand). VCF-style: chr2-181677956-T-C. GRCh37 (hg19) VCF-style: chr2-182542683-T-C.
Other names: short protein forms H302R.
Identifiers: ClinVar variation 1351393 (VCV001351393.8), dbSNP rs1352948821, ClinGen allele CA349782692.

ClinVar aggregate classification (germline): Uncertain significance (1 of 4 stars; one submission).

Submission:

Labcorp Genetics (formerly Invitae), Labcorp
Classification: Uncertain significance. Last evaluated: 2022-11-22. Review status: criteria provided, single submitter. Criteria: Invitae Variant Classification Sherloc (09022015). Collection method: clinical testing. Allele origin: germline.
Comment: This sequence change replaces histidine, which is basic and polar, with arginine, which is basic and polar, at codon 302 of the NEUROD1 protein (p.His302Arg). This variant is not present in population databases (gnomAD no frequency). This variant has not been reported in the literature in individuals affected with NEUROD1-related conditions. ClinVar contains an entry for this variant (Variation ID: 1351393). Advanced modeling of protein sequence and biophysical properties (such as structural, functional, and spatial information, amino acid conservation, physicochemical variation, residue mobility, and thermodynamic stability) performed at Invitae indicates that this missense variant is not expected to disrupt NEUROD1 protein function. In summary, the available evidence is currently insufficient to determine the role of this variant in disease. Therefore, it has been classified as a Variant of Uncertain Significance.